The following is an entry in ClinVar:

NM_000359.3(TGM1):c.1491+1G>C

Gene: TGM1 (transglutaminase 1; minus strand). Cytogenetic location: 14q12.
Variant type: single nucleotide variant.
Coding change: c.1491+1G>C on transcript NM_000359.3 (MANE Select); the canonical splice donor site of the intron after coding-DNA position 1491, G replaced by C.
Molecular consequence: splice donor variant.
Genome position (GRCh38, 1-based): chr14:24,255,988, C>G on the plus strand (G>C on the coding strand, the complement: TGM1 is on the minus strand). VCF-style: chr14-24255988-C-G. GRCh37 (hg19) VCF-style: chr14-24725194-C-G.
Identifiers: ClinVar variation 2010898 (VCV002010898.4), dbSNP rs2502496203, ClinGen allele CA389255524.

ClinVar aggregate classification (germline): Likely pathogenic (1 of 4 stars; one submission).

Submission:

Labcorp Genetics (formerly Invitae), Labcorp
Classification: Likely pathogenic. Last evaluated: 2022-06-26. Review status: criteria provided, single submitter. Criteria: Invitae Variant Classification Sherloc (09022015). Collection method: clinical testing. Allele origin: germline.
Comment: This variant has not been reported in the literature in individuals affected with TGM1-related conditions. Algorithms developed to predict the effect of sequence changes on RNA splicing suggest that this variant may disrupt the consensus splice site. In summary, the currently available evidence indicates that the variant is pathogenic, but additional data are needed to prove that conclusively. Therefore, this variant has been classified as Likely Pathogenic. This sequence change affects a donor splice site in intron 10 of the TGM1 gene. It is expected to disrupt RNA splicing. Variants that disrupt the donor or acceptor splice site typically lead to a loss of protein function (PMID: 16199547), and loss-of-function variants in TGM1 are known to be pathogenic (PMID: 18948357, 19241467). This variant is not present in population databases (gnomAD no frequency).

Literature cited by the submitters: PubMed 16199547; PubMed 18948357; PubMed 19241467.